The following is an entry in ClinVar:

NM_018129.4(PNPO):c.500T>C (p.Ile167Thr)

Gene: PNPO (pyridoxamine 5'-phosphate oxidase; plus strand). Cytogenetic location: 17q21.32.
Variant type: single nucleotide variant.
Coding change: c.500T>C on transcript NM_018129.4 (MANE Select); coding-DNA position 500, T replaced by C.
Protein change: p.Ile167Thr; replaces isoleucine 167 with threonine.
Molecular consequence: missense variant.
Genome position (GRCh38, 1-based): chr17:47,945,943, T>C. VCF-style: chr17-47945943-T-C. GRCh37 (hg19) VCF-style: chr17-46023309-T-C.
Other names: p.I167T:ATT>ACT; short protein forms I167T.
Identifiers: ClinVar variation 138731 (VCV000138731.21), dbSNP rs546737191, ClinGen allele CA292813.
Genomic context (GRCh38, chr17:47,945,943, plus strand): 5'-AGAAACTGCCTGAGGAGGAGGCTGAGTGCTACTTCCACTCCCGCCCCAAGAGCAGCCAGA[T>C]TGGGGCTGTGGTCAGCCACCAGAGTTCTGTGATCCCTGATCGGGAGGTGAGTGGAGCTCC-3'
Protein context (NP_060599.1, residues 157-177): YFHSRPKSSQ[Ile167Thr]GAVVSHQSSV

ClinVar aggregate classification (germline): Conflicting classifications of pathogenicity. Review status: criteria provided, conflicting classifications (1 of 4 stars). 8 submissions from 8 submitters: Likely pathogenic (4); Uncertain significance (3). 1 of the submissions does not count toward it. Last evaluated 2026-01-25.

Conditions:
PNPO-related disorder. Also called: PNPO-related condition; PNPO-related disorders.
Inborn genetic diseases. Identifiers: MedGen C0950123, MeSH D030342.
Pyridoxal phosphate-responsive seizures (PNPOD). Also called: Pyridoxamine 5-Prime-Phosphate Oxidase Deficiency; Pyridoxal 5'-Phosphate (PLP)-Dependent Epilepsy; SEIZURES, PYRIDOXINE-RESISTANT, PLP-SENSITIVE; EPILEPTIC ENCEPHALOPATHY, NEONATAL, PNPO-RELATED; Pyridoxine-5'-phosphate oxidase deficiency. Identifiers: Orphanet 79096, MedGen C1864723, MONDO:0012407, OMIM 610090. Disease mechanism: loss of function.

Allele frequency attached by ClinVar (database versions not stated): gnomAD 0.00006 and 0.00008; TOPMed 0.00008; gnomAD exomes 0.00018; 1000 Genomes Project 0.00020; ExAC 0.00024; 1000 Genomes Project 30x 0.00031.

Submissions (8):

Labcorp Genetics (formerly Invitae), Labcorp
Classification: Likely pathogenic for Pyridoxal phosphate-responsive seizures. Last evaluated: 2026-01-25. Review status: criteria provided, single submitter. Criteria: Invitae Variant Classification Sherloc (09022015). Collection method: clinical testing. Allele origin: germline.
Comment: This sequence change replaces isoleucine, which is neutral and non-polar, with threonine, which is neutral and polar, at codon 167 of the PNPO protein (p.Ile167Thr). This variant is present in population databases (rs546737191, gnomAD 0.09%). This missense change has been observed in individual(s) with PNPO-related conditions (PMID: 33087887). It has also been observed to segregate with disease in related individuals. ClinVar contains an entry for this variant (Variation ID: 138731). Invitae Evidence Modeling of protein sequence and biophysical properties (such as structural, functional, and spatial information, amino acid conservation, physicochemical variation, residue mobility, and thermodynamic stability) indicates that this missense variant is not expected to disrupt PNPO protein function with a negative predictive value of 80%. In summary, the currently available evidence indicates that the variant is pathogenic, but additional data are needed to prove that conclusively. Therefore, this variant has been classified as Likely Pathogenic.

GeneDx
Classification: Uncertain significance. Last evaluated: 2025-09-15. Review status: criteria provided, single submitter. Criteria: GeneDx Variant Classification Process June 2021. Collection method: clinical testing. Allele origin: germline. Affected: yes.
Comment: Reported previously as an apparently homozygous variant in a patient with seizures; however, no further clinical or segregation information was provided (PMID: 40336053); In silico analysis supports that this missense variant has a deleterious effect on protein structure/function; This variant is associated with the following publications: (PMID: 36539902, 33087887, 40336053)

Victorian Clinical Genetics Services, Murdoch Childrens Research Institute
Classification: Likely pathogenic for Pyridoxal phosphate-responsive seizures. Last evaluated: 2025-06-23. Review status: criteria provided, single submitter. Criteria: ACMG Guidelines, 2015. Collection method: clinical testing. Allele origin: germline. Affected: no.
Comment: This variant is classified as Likely pathogenic. Evidence in support of pathogenic classification: Variant is present in gnomAD <0.01 for a recessive condition (v4: 178 heterozygote(s), 0 homozygote(s)); Missense variant predicted to be damaging by in silico tool(s) or highly conserved with a major amino acid change. Additional information: Variant is predicted to result in a missense amino acid change from isoleucine to threonine; This variant is heterozygous; This gene is associated with autosomal recessive disease; Alternative amino acid change(s) at the same position are present in gnomAD (Highest allele count: v4: 1 heterozygote(s), 0 homozygote(s)); Previous reports of pathogenicity for this variant are conflicting. This variant has been classified as likely pathogenic and as a VUS by clinical laboratories (ClinVar). This variant has been reported in two homozygous siblings affected with early onset pyridoxal 5'-phosphate-dependent epilepsy (PMID: 33087887); Segregation evidence for this variant is inconclusive. This variant has been reported in two affected homozygous siblings, with both unaffected parents being heterozygous carriers (PMID: 33087887); No published functional evidence has been identified for this variant; No comparable missense variants have previous evidence for pathogenicity; Variant is located in the annotated pyridoxamine 5'-phosphate oxidase domain (DECIPHER); Loss of function is a known mechanism of disease in this gene and is associated with pyridoxamine 5'-phosphate oxidase deficiency (MIM#610090); Variants in this gene are known to have variable expressivity (OMIM).

Blueprint Genetics
Classification: Uncertain significance. Last evaluated: 2024-08-14. Review status: criteria provided, single submitter. Criteria: ACMG Guidelines, 2015. Collection method: clinical testing. Allele origin: germline.

Fulgent Genetics
Classification: Likely pathogenic for Pyridoxal phosphate-responsive seizures. Last evaluated: 2024-05-01. Review status: criteria provided, single submitter. Criteria: ACMG Guidelines, 2015. Collection method: clinical testing. Allele origin: germline.

Women's Health and Genetics/Laboratory Corporation of America, LabCorp
Classification: Likely pathogenic for Pyridoxal phosphate-responsive seizures. Last evaluated: 2023-03-21. Review status: criteria provided, single submitter. Criteria: LabCorp Variant Classification Summary - May 2015. Collection method: clinical testing. Allele origin: germline.
Comment: Variant summary: PNPO c.500T>C (p.Ile167Thr) results in a non-conservative amino acid change in the encoded protein sequence. Four of four in-silico tools predict a damaging effect of the variant on protein function. The variant allele was found at a frequency of 0.00018 in 251324 control chromosomes. This frequency is not higher than estimated for a pathogenic variant in PNPO causing Pyridoxal 5'-Phosphate-Dependent Epilepsy (0.00018 vs 0.0011), allowing no conclusion about variant significance. c.500T>C has been reported in the literature in two homozygous siblings affected with Pyridoxal 5'-Phosphate-Dependent Epilepsy, with evidence of pyridoxine treatment response (Shen_2021). These data indicate that the variant is likely to be associated with disease. To our knowledge, no experimental evidence demonstrating an impact on protein function has been reported. Two clinical diagnostic laboratories have submitted clinical-significance assessments for this variant to ClinVar after 2014. One laboratory classified the variant as likely pathogenic, and one laboratory classified the variant as uncertain significance. Based on the evidence outlined above, the variant was classified as likely pathogenic.

Ambry Genetics
Classification: Uncertain significance for Inborn genetic diseases. Last evaluated: 2018-07-10. Review status: criteria provided, single submitter. Criteria: Ambry Variant Classification Scheme 2023. Collection method: clinical testing. Allele origin: germline.
Comment: The p.I167T variant (also known as c.500T>C), located in coding exon 5 of the PNPO gene, results from a T to C substitution at nucleotide position 500. The isoleucine at codon 167 is replaced by threonine, an amino acid with similar properties. This amino acid position is highly conserved in available vertebrate species. In addition, this alteration is predicted to be deleterious by in silico analysis. Since supporting evidence is limited at this time, the clinical significance of this alteration remains unclear.

PreventionGenetics, part of Exact Sciences
Classification: Uncertain significance for PNPO-related condition. Last evaluated: 2023-10-28. Review status: no assertion criteria provided. Collection method: clinical testing. Allele origin: germline. Not counted in ClinVar's aggregate classification.
Comment: The PNPO c.500T>C variant is predicted to result in the amino acid substitution p.Ile167Thr. This variant has been reported in the homozygous state in siblings with epileptic encephalopathy (Family 4, Table 1, Shen et al. 2021. PubMed ID: 33087887). This variant is reported in 0.088% of alleles in individuals of South Asian descent in gnomAD. At this time, the clinical significance of this variant is uncertain due to the absence of conclusive functional and genetic evidence.

Literature cited by the submitters: PubMed 33087887 (cited by 3 submitters).